The following is an entry in ClinVar:

NC_000005.9:g.(?_112170638)_(112179823_?)dup

Gene: APC (APC regulator of Wnt signaling pathway; plus strand). Cytogenetic location: 5q22.2.
Variant type: Duplication.
Identifiers: ClinVar variation 1441506 (VCV001441506.4).

ClinVar aggregate classification (germline): Uncertain significance (1 of 4 stars; one submission).

Conditions:
Familial adenomatous polyposis 1 (FAP1). Also called: FAMILIAL ADENOMATOUS POLYPOSIS 1, ATTENUATED; POLYPOSIS, ADENOMATOUS INTESTINAL. Identifiers: MedGen C2713442, MONDO:0021056, OMIM 175100. Disease mechanism: loss of function.

Submission:

Labcorp Genetics (formerly Invitae), Labcorp
Classification: Uncertain significance for Familial adenomatous polyposis 1. Last evaluated: 2021-07-14. Review status: criteria provided, single submitter. Criteria: Invitae Variant Classification Sherloc (09022015). Collection method: clinical testing. Allele origin: germline.
Comment: This variant has not been reported in the literature in individuals with APC-related conditions. This variant results in a copy number gain of the genomic region encompassing exon(s) 15-16 of the APC gene. The 5' boundary is likely confined to intron 14. The 3' end of this event is unknown as it extends beyond the assayed region for this gene and therefore may encompass additional genes. As the precise location of this event is unknown, it may be in tandem or it may be located elsewhere in the genome. Experimental studies and prediction algorithms are not available or were not evaluated, and the functional significance of this variant is currently unknown. In summary, the available evidence is currently insufficient to determine the role of this variant in disease. Therefore, it has been classified as a Variant of Uncertain Significance.